The following is an entry in ClinVar:

ClinVar aggregate classification (germline): Uncertain significance. Review status: criteria provided, single submitter (1 of 4 stars). 2 submissions from 2 submitters: Uncertain significance (1). 1 of the submissions does not count toward it. Last evaluated 2025-10-19.

Conditions:
Disseminated atypical mycobacterial infection. Identifiers: MedGen C0694566.

Allele frequency attached by ClinVar (database versions not stated): ExAC 0.00001; gnomAD exomes 0.00001 and 0.00003; TOPMed 0.00012; gnomAD 0.00014.
gnomAD v4.1: 42 of 1,608,430 alleles (0.0026%); highest among the groups gnomAD compares: African/African-American, 0.051%; no homozygotes.

Submissions (2):

Labcorp Genetics (formerly Invitae), Labcorp
Classification: Uncertain significance for Disseminated atypical mycobacterial infection. Last evaluated: 2025-10-19. Review status: criteria provided, single submitter. Criteria: Invitae Variant Classification Sherloc (09022015). Collection method: clinical testing. Allele origin: germline.
Comment: This sequence change replaces isoleucine, which is neutral and non-polar, with methionine, which is neutral and non-polar, at codon 288 of the IFNGR1 protein (p.Ile288Met). This variant is present in population databases (rs121913184, gnomAD 0.04%). This variant has not been reported in the literature in individuals affected with IFNGR1-related conditions. ClinVar contains an entry for this variant (Variation ID: 111221). An algorithm developed to predict the effect of missense changes on protein structure and function (PolyPhen-2) suggests that this variant is likely to be tolerated. In summary, the available evidence is currently insufficient to determine the role of this variant in disease. Therefore, it has been classified as a Variant of Uncertain Significance.

Human Evolutionary Genetics, Institut Pasteur
No classification provided. Review status: no classification provided. Collection method: not provided. Allele origin: not provided. Not counted in ClinVar's aggregate classification.

NM_000416.3(IFNGR1):c.864C>G (p.Ile288Met)

Gene: IFNGR1 (interferon gamma receptor 1; minus strand). Cytogenetic location: 6q23.3.
Variant type: single nucleotide variant.
Coding change: c.864C>G on transcript NM_000416.3 (MANE Select); coding-DNA position 864, C replaced by G.
Protein change: p.Ile288Met; replaces isoleucine 288 with methionine.
Molecular consequence: missense variant.
Genome position (GRCh38, 1-based): chr6:137,198,637, G>C on the plus strand (C>G on the coding strand, the complement: IFNGR1 is on the minus strand). VCF-style: chr6-137198637-G-C. GRCh37 (hg19) VCF-style: chr6-137519774-G-C.
Other names: c.834C>G, p.Ile278Met (NM_001363526.1); c.741C>G, p.Ile247Met (NM_001363527.1); short protein forms I288M, I278M, I247M.
Identifiers: ClinVar variation 111221 (VCV000111221.6), dbSNP rs121913184, ClinGen allele CA230523.